The following is an entry in ClinVar:

NM_020719.3(PRR12):c.3297C>T (p.Tyr1099=)

Gene: PRR12 (proline rich 12; plus strand). Cytogenetic location: 19q13.33.
Variant type: single nucleotide variant.
Coding change: c.3297C>T on transcript NM_020719.3 (MANE Select); coding-DNA position 3297, C replaced by T.
Protein change: p.Tyr1099=; no amino-acid change (tyrosine 1099 retained).
Molecular consequence: synonymous variant.
Genome position (GRCh38, 1-based): chr19:49,597,632, C>T. VCF-style: chr19-49597632-C-T. GRCh37 (hg19) VCF-style: chr19-50100889-C-T.
Identifiers: ClinVar variation 3031539 (VCV003031539.2), dbSNP rs377666998, ClinGen allele CA9578266.

ClinVar aggregate classification (germline): Likely benign (0 of 4 stars; one submission).

Conditions:
PRR12-related disorder. Also called: PRR12-related condition.

Allele frequency attached by ClinVar (database versions not stated): gnomAD 0.00001; gnomAD exomes 0.00001; ExAC 0.00002; TOPMed 0.00003; ESP Exome Variant Server 0.00008.
gnomAD v4.1: 15 of 1,609,702 alleles (0.00093%); highest among the groups gnomAD compares: Admixed American, 0.012%; no homozygotes.

Submission:

PreventionGenetics, part of Exact Sciences
Classification: Likely benign for PRR12-related condition. Last evaluated: 2021-04-13. Review status: no assertion criteria provided. Collection method: clinical testing. Allele origin: germline.
Comment: This variant is classified as likely benign based on ACMG/AMP sequence variant interpretation guidelines (Richards et al. 2015 PMID: 25741868, with internal and published modifications).